The following is an entry in ClinVar:

NM_001257180.2(SLC20A2):c.575C>T (p.Ala192Val)

Gene: SLC20A2 (solute carrier family 20 member 2; minus strand). Cytogenetic location: 8p11.21.
Variant type: single nucleotide variant.
Coding change: c.575C>T on transcript NM_001257180.2 (MANE Select); coding-DNA position 575, C replaced by T.
Protein change: p.Ala192Val; replaces alanine 192 with valine.
Molecular consequence: missense variant.
Genome position (GRCh38, 1-based): chr8:42,459,934, G>A on the plus strand (C>T on the coding strand, the complement: SLC20A2 is on the minus strand). VCF-style: chr8-42459934-G-A. GRCh37 (hg19) VCF-style: chr8-42317452-G-A.
Other names: c.575C>T, p.Ala192Val (NM_001257181.2, NM_006749.5); short protein forms A192V.
Identifiers: ClinVar variation 2176635 (VCV002176635.4), dbSNP rs756149755, ClinGen allele CA4733533.

ClinVar aggregate classification (germline): Uncertain significance (1 of 4 stars; one submission).

Allele frequency attached by ClinVar (database versions not stated): gnomAD exomes below 0.00001; TOPMed below 0.00001; ExAC 0.00001.
gnomAD v4.1: 6 of 1,613,570 alleles (0.00037%); highest among the groups gnomAD compares: Admixed American, 0.0083%; no homozygotes.

Submission:

Labcorp Genetics (formerly Invitae), Labcorp
Classification: Uncertain significance. Last evaluated: 2022-08-12. Review status: criteria provided, single submitter. Criteria: Invitae Variant Classification Sherloc (09022015). Collection method: clinical testing. Allele origin: germline.
Comment: In summary, the available evidence is currently insufficient to determine the role of this variant in disease. Therefore, it has been classified as a Variant of Uncertain Significance. Algorithms developed to predict the effect of missense changes on protein structure and function (SIFT, PolyPhen-2, Align-GVGD) all suggest that this variant is likely to be tolerated. This variant has not been reported in the literature in individuals affected with SLC20A2-related conditions. This variant is present in population databases (rs756149755, gnomAD 0.01%). This sequence change replaces alanine, which is neutral and non-polar, with valine, which is neutral and non-polar, at codon 192 of the SLC20A2 protein (p.Ala192Val).